The following is an entry in ClinVar:

ClinVar aggregate classification (germline): Uncertain significance. Review status: criteria provided, multiple submitters, no conflicts (2 of 4 stars). 9 submissions from 8 submitters: Uncertain significance (8). 1 of the submissions does not count toward it. Last evaluated 2026-06-24.

Conditions:
Bardet-Biedl syndrome 11 (BBS11). Identifiers: Orphanet 110, MedGen C1859569, MONDO:0014439, OMIM 615988.
Sarcotubular myopathy (LGMDR8). Also called: Hutterite type of muscular dystrophy; Limb-girdle muscular dystrophy, type 2H; Autosomal recessive limb-girdle muscular dystrophy type 2H; MUSCULAR DYSTROPHY, LIMB-GIRDLE, AUTOSOMAL RECESSIVE 8. Identifiers: Orphanet 1878, MedGen C0270968, MONDO:0009683, OMIM 254110.
TRIM32-related disorder. Also called: TRIM32-related condition.
Retinal dystrophy. Also called: Inherited retinal dystrophy. Identifiers: Orphanet 71862, MedGen C0854723, MeSH D058499, MONDO:0019118, HP:0000556.
Bardet-Biedl syndrome (BBS). Identifiers: Orphanet 110, MedGen C0752166, MONDO:0015229.

Allele frequency attached by ClinVar (database versions not stated): gnomAD 0.00006; TOPMed 0.00007; ESP Exome Variant Server 0.00015; gnomAD exomes 0.00016; ExAC 0.00031.
gnomAD v4.1: 258 of 1,614,004 alleles (0.016%); highest among the groups gnomAD compares: Non-Finnish European, 0.02%; 1 homozygote.

Submissions (9):

PreventionGenetics, part of Exact Sciences
Classification: Uncertain significance for TRIM32-related condition. Last evaluated: 2026-06-24. Review status: criteria provided, single submitter. Criteria: ACMG Guidelines, 2015. Collection method: clinical testing. Allele origin: germline.
Comment: The TRIM32 c.480G>A variant is predicted to result in the amino acid substitution p.Met160Ile. To our knowledge, this variant has not been reported in the literature. This variant is reported in 0.033% of alleles in individuals of European (Non-Finnish) descent in gnomAD. At this time, the clinical significance of this variant is uncertain due to the absence of conclusive functional and genetic evidence.

Blueprint Genetics
Classification: Uncertain significance. Last evaluated: 2024-04-26. Review status: criteria provided, single submitter. Criteria: ACMG Guidelines, 2015. Collection method: clinical testing. Allele origin: germline.

Labcorp Genetics (formerly Invitae), Labcorp
Classification: Uncertain significance for Bardet-Biedl syndrome. Last evaluated: 2022-08-16. Review status: criteria provided, single submitter. Criteria: Invitae Variant Classification Sherloc (09022015). Collection method: clinical testing. Allele origin: germline.
Comment: This sequence change replaces methionine, which is neutral and non-polar, with isoleucine, which is neutral and non-polar, at codon 160 of the TRIM32 protein (p.Met160Ile). This variant is present in population databases (rs200196832, gnomAD 0.03%). This variant has not been reported in the literature in individuals affected with TRIM32-related conditions. ClinVar contains an entry for this variant (Variation ID: 195281). Algorithms developed to predict the effect of missense changes on protein structure and function (SIFT, PolyPhen-2, Align-GVGD) all suggest that this variant is likely to be tolerated. Algorithms developed to predict the effect of sequence changes on RNA splicing suggest that this variant may create or strengthen a splice site. In summary, the available evidence is currently insufficient to determine the role of this variant in disease. Therefore, it has been classified as a Variant of Uncertain Significance.

Fulgent Genetics
Classification: Uncertain significance for Sarcotubular myopathy; Bardet-Biedl syndrome 11. Last evaluated: 2021-12-29. Review status: criteria provided, single submitter. Criteria: ACMG Guidelines, 2015. Collection method: clinical testing. Allele origin: unknown.

GeneDx
Classification: Uncertain significance. Last evaluated: 2019-04-17. Review status: criteria provided, single submitter. Criteria: GeneDx Variant Classification Process June 2021. Collection method: clinical testing. Allele origin: germline. Affected: yes.
Comment: In silico analysis, which includes splice predictors and evolutionary conservation, supports that this variant does not alter protein structure/function; Has not been previously published as pathogenic or benign to our knowledge

Illumina Laboratory Services, Illumina
Classification: Uncertain significance for Bardet-Biedl syndrome 11. Last evaluated: 2018-01-13. Review status: criteria provided, single submitter. Criteria: ICSL Variant Classification Criteria 13 December 2019. Collection method: clinical testing. Allele origin: germline.

Illumina Laboratory Services, Illumina
Classification: Uncertain significance for Sarcotubular myopathy. Last evaluated: 2018-01-13. Review status: criteria provided, single submitter. Criteria: ICSL Variant Classification Criteria 13 December 2019. Collection method: clinical testing. Allele origin: germline.

Eurofins Ntd Llc (ga)
Classification: Uncertain significance. Last evaluated: 2017-02-07. Review status: criteria provided, single submitter. Criteria: EGL Classification Definitions 2015. Collection method: clinical testing. Allele origin: germline. Observed: 5 variant alleles, 5 heterozygotes.

Institute of Human Genetics, Univ. Regensburg, Univ. Regensburg
Classification: Uncertain significance for Retinal dystrophy. Last evaluated: 2022-01-01. Review status: no assertion criteria provided. Criteria: ACMG Guidelines, 2015. Collection method: clinical testing. Allele origin: germline. Affected: yes. Not counted in ClinVar's aggregate classification.

NM_012210.4(TRIM32):c.480G>A (p.Met160Ile)

Genes: ASTN2 (astrotactin 2; minus strand), TRIM32 (tripartite motif containing 32; plus strand). Cytogenetic location: 9q33.1.
Variant type: single nucleotide variant.
Coding change: c.480G>A on transcript NM_012210.4 (MANE Select); coding-DNA position 480, G replaced by A.
Protein change: p.Met160Ile; replaces methionine 160 with isoleucine.
Molecular consequence: missense variant. On other transcripts: intron variant (3).
Genome position (GRCh38, 1-based): chr9:116,698,222, G>A. VCF-style: chr9-116698222-G-A. GRCh37 (hg19) VCF-style: chr9-119460501-G-A.
Other names: c.480G>A, p.Met160Ile (NM_001099679.2, NM_001379048.1, NM_001379049.1 and 1 more transcripts); c.2653+27549C>T (NM_014010.5); c.2794+27549C>T (NM_001365069.1); c.2806+27549C>T (NM_001365068.1); short protein forms M160I.
Identifiers: ClinVar variation 195281 (VCV000195281.21), dbSNP rs200196832, ClinGen allele CA241632.
Genomic context (GRCh38, chr9:116,698,222, plus strand): 5'-AGCAGCTGAGGAGCGGCGTCGGGACTTTGGAGAGAAGTTAACTCGTCTGCGGGAACTTAT[G>A]GGGGAGCTGCAGCGGCGGAAGGCAGCCTTGGAAGGTGTCTCCAAGGACCTTCAGGCAAGG-3'
Protein context (NP_036342.2, residues 150-170): GEKLTRLREL[Met160Ile]GELQRRKAAL